The following is an entry in ClinVar:

NM_000143.4(FH):c.1108+1G>A

Gene: FH (fumarate hydratase; minus strand). Cytogenetic location: 1q43.
Variant type: single nucleotide variant.
Coding change: c.1108+1G>A on transcript NM_000143.4 (MANE Select); the canonical splice donor site of the intron after coding-DNA position 1108, G replaced by A.
Molecular consequence: splice donor variant.
Genome position (GRCh38, 1-based): chr1:241,504,041, C>T on the plus strand (G>A on the coding strand, the complement: FH is on the minus strand). VCF-style: chr1-241504041-C-T. GRCh37 (hg19) VCF-style: chr1-241667341-C-T.
Identifiers: ClinVar variation 945217 (VCV000945217.14), dbSNP rs1057517734, ClinGen allele CA345437864.

ClinVar aggregate classification (germline): Pathogenic/Likely pathogenic. Review status: criteria provided, multiple submitters, no conflicts (2 of 4 stars). 3 submissions from 3 submitters: Pathogenic (2); Likely pathogenic (1). Last evaluated 2026-06-17.

Conditions:
Hereditary leiomyomatosis and renal cell cancer. Also called: LEIOMYOMA, MULTIPLE CUTANEOUS; MULTIPLE CUTANEOUS AND UTERINE LEIOMYOMATA 1, WITH OR WITHOUT RENAL CELL CARCINOMA; FH tumor predisposition syndrome; Reed syndrome; Multiple cutaneous and uterine leiomyomatosis; Cutaneous leiomyomata with uterine leiomyomata. Identifiers: Orphanet 523, MedGen C1708350, MONDO:0007888, OMIM 150800, HP:0007437. Disease mechanism: loss of function.
Hereditary cancer-predisposing syndrome. Also called: Neoplastic Syndromes, Hereditary; Hereditary Cancer Syndrome; Tumor predisposition; Hereditary neoplastic syndrome. Identifiers: Orphanet 140162, MedGen C0027672, MeSH D009386, MONDO:0015356.

Submissions (3):

Ambry Genetics
Classification: Likely pathogenic for Hereditary cancer-predisposing syndrome. Last evaluated: 2026-06-17. Review status: criteria provided, single submitter. Criteria: Ambry Variant Classification Scheme 2023. Collection method: clinical testing. Allele origin: germline.
Comment: The c.1108+1G>A intronic variant results from a G to A substitution one nucleotide after coding exon 7 of the FH gene. Alterations that disrupt the canonical splice site are expected to cause aberrant splicing. In silico splice site analysis predicts that this alteration will weaken the native splice donor site. A resulting transcript is predicted to be in-frame and is not expected to trigger nonsense-mediated mRNA decay; although, direct evidence is unavailable. This variant was reported in individual(s) with features consistent with FH-related tumor predisposition (Kim JY et al. Ann Transl Med, 2020 Nov;8:1389; Seo JY et al. Ann Lab Med, 2021 Mar;41:207-213; Bai J et al. Aging (Albany NY), 2024 Feb;16:3631-3646; Ambry internal data). This variant is considered to be rare based on population cohorts in the Genome Aggregation Database (gnomAD). This nucleotide position is highly conserved in available vertebrate species. As such, this alteration is classified as likely pathogenic.

Labcorp Genetics (formerly Invitae), Labcorp
Classification: Pathogenic. Last evaluated: 2025-04-11. Review status: criteria provided, single submitter. Criteria: Invitae Variant Classification Sherloc (09022015). Collection method: clinical testing. Allele origin: germline.
Comment: This sequence change affects a donor splice site in intron 7 of the FH gene. It is expected to disrupt RNA splicing. Variants that disrupt the donor or acceptor splice site typically lead to a loss of protein function (PMID: 16199547), and loss-of-function variants in FH are known to be pathogenic (PMID: 11865300, 21398687). This variant is not present in population databases (gnomAD no frequency). Disruption of this splice site has been observed in individuals with autosomal dominant hereditary leiomyomatosis, renal cell cancer, and autosomal recessive fumarase deficiency (internal data). ClinVar contains an entry for this variant (Variation ID: 945217). Algorithms developed to predict the effect of sequence changes on RNA splicing suggest that this variant may disrupt the consensus splice site. For these reasons, this variant has been classified as Pathogenic.

3billion
Classification: Pathogenic for Hereditary leiomyomatosis and renal cell cancer. Last evaluated: 2023-12-22. Review status: criteria provided, single submitter. Criteria: ACMG Guidelines, 2015. Collection method: clinical testing. Allele origin: germline. Affected: yes.
Comment: The variant is not observed in the gnomAD v2.1.1 dataset. Predicted Consequence/Location: Canonical splice site: predicted to alter splicing and result in a loss or disruption of normal protein function. Multiple pathogenic loss-of-function variants are reported downstream of the variant. In silico tools predict the variant to alter splicing and produce an abnormal transcript [Splice AI: 1.00 (spliceogenicity >=0.2, non-spliceogenicity <0.1)]. The variant has been reported at least twice as pathogenic without evidence for the classification (ClinVar ID: VCV000945217 /3billion dataset). Therefore, this variant is classified as Pathogenic according to the recommendation of ACMG/AMP guideline.

Literature cited by the submitters: PubMed 33063682 (cited by Ambry Genetics); PubMed 33313134 (cited by Ambry Genetics); PubMed 38376408 (cited by Ambry Genetics); PubMed 16199547 (cited by Labcorp Genetics (formerly Invitae), Labcorp); PubMed 11865300 (cited by Labcorp Genetics (formerly Invitae), Labcorp); PubMed 21398687 (cited by Labcorp Genetics (formerly Invitae), Labcorp).